The following is an entry in ClinVar:

NM_007294.4(BRCA1):c.3785_3787del (p.Ser1262del)

Genes: BRCA1 (BRCA1 DNA repair associated; minus strand), LOC126862571 (BRD4-independent group 4 enhancer GRCh37_chr17:41243136-41244335; plus strand). Cytogenetic location: 17q21.31.
Variant type: Deletion.
Coding change: c.3785_3787del on transcript NM_007294.4 (MANE Select); coding-DNA positions 3785 to 3787, 3 bases deleted (CAT; older notation c.3785_3787delCAT).
Protein change: p.Ser1262del; deletes serine 1262.
Molecular consequence: inframe deletion. On other transcripts: inframe indel (2), intron variant (135).
Genome position (GRCh38, 1-based): chr17:43,091,744-43,091,746, ATG deleted on the plus strand (CAT on the coding strand, the reverse complement: BRCA1 is on the minus strand); deleting any 3 consecutive bases within chr17:43,091,744-43,091,748 gives the same sequence; the c. name uses the placement nearest the transcript's 3' end. VCF-style (leftmost placement, unchanged base first): chr17-43091743-AATG-A. GRCh37 (hg19) VCF-style: chr17-41243760-AATG-A.
Other names: c.3785_3787delCAT (NM_007294.3); c.3782_3784del, p.Ser1261del (NM_001407610.1, NM_001407611.1, NM_001407612.1 and 22 more transcripts); c.3785_3787del, p.Ser1262del (NM_001407616.1, NM_001407617.1, NM_001407618.1 and 30 more transcripts); c.3776_3778del, p.Ser1259del (NM_001407647.1, NM_001407646.1); c.3662_3664del, p.Ser1221del (NM_001407648.1, NM_001407667.1, NM_001407668.1 and 19 more transcripts); c.3659_3661del, p.Ser1220del (NM_001407649.1, NM_001407670.1, NM_001407671.1 and 11 more transcripts); c.3707_3709del, p.Ser1236del (NM_001407653.1, NM_001407654.1, NM_001407655.1 and 4 more transcripts); c.3644_3646del, p.Ser1215del (NM_001407692.1, NM_001407694.1, NM_001407695.1 and 29 more transcripts); and 43 more; short protein forms S1262del, S1215del, S1094del, S1150del, S1173del, S1191del, S1192del, S1194del.
Identifiers: ClinVar variation 481434 (VCV000481434.23), dbSNP rs1555587043, ClinGen allele CA658656678.

ClinVar aggregate classification (germline): Uncertain significance. Review status: criteria provided, multiple submitters, no conflicts (2 of 4 stars). 5 submissions from 5 submitters: Uncertain significance (4). 1 of the submissions does not count toward it. Last evaluated 2025-11-01.

Conditions:
Hereditary cancer-predisposing syndrome. Also called: Tumor predisposition; Hereditary Cancer Syndrome; Hereditary neoplastic syndrome; Neoplastic Syndromes, Hereditary. Identifiers: Orphanet 140162, MedGen C0027672, MeSH D009386, MONDO:0015356.
Hereditary breast ovarian cancer syndrome. Also called: Breast and ovarian cancer; Hereditary breast and/or ovarian cancer syndrome; BRCA1- and BRCA2-Associated Hereditary Breast and Ovarian Cancer; Hereditary breast and ovarian cancer syndrome; Hereditary breast and ovarian cancer syndrome (HBOC); Hereditary breast and ovarian cancer. Identifiers: Orphanet 145, MedGen C0677776, MeSH D061325, MONDO:0003582. Disease mechanism: loss of function.
Breast-ovarian cancer, familial, susceptibility to, 1 (BROVCA1). Also called: BRCA1 Hereditary Breast and Ovarian Cancer; OVARIAN CANCER, SUSCEPTIBILITY TO. Identifiers: Orphanet 145, MedGen C2676676, MONDO:0011450, OMIM 604370. Disease mechanism: loss of function.

Submissions (5):

Labcorp Genetics (formerly Invitae), Labcorp
Classification: Uncertain significance for Hereditary breast ovarian cancer syndrome. Last evaluated: 2025-11-01. Review status: criteria provided, single submitter. Criteria: Invitae Variant Classification Sherloc (09022015). Collection method: clinical testing. Allele origin: germline.
Comment: This variant, c.3785_3787del, results in the deletion of 1 amino acid(s) of the BRCA1 protein (p.Ser1262del), but otherwise preserves the integrity of the reading frame. This variant is not present in population databases (gnomAD no frequency). This variant has not been reported in the literature in individuals affected with BRCA1-related conditions. ClinVar contains an entry for this variant (Variation ID: 481434). Experimental studies and prediction algorithms are not available or were not evaluated, and the functional significance of this variant is currently unknown. In summary, the available evidence is currently insufficient to determine the role of this variant in disease. Therefore, it has been classified as a Variant of Uncertain Significance.

Ambry Genetics
Classification: Uncertain significance for Hereditary cancer-predisposing syndrome. Last evaluated: 2024-11-26. Review status: criteria provided, single submitter. Criteria: Ambry Variant Classification Scheme 2023. Collection method: clinical testing. Allele origin: germline.
Comment: The c.3785_3787delCAT variant (also known as p.S1262del) is located in coding exon 9 of the BRCA1 gene. This variant results from an in-frame CAT deletion at nucleotide positions 3785 to 3787. This results in the in-frame deletion of a serine at codon 1262. This variant was detected in a cohort of women from India diagnosed with, or at risk of developing hereditary breast and ovarian cancer (John AO et al. Eur J Hum Genet, 2024 Oct;32:1319-1326). This variant was seen in conjunction with a pathogenic MLH1 mutation in a patient with a personal history of squamous cell carcinomas and colon cancer and a family history of early-onset colon cancer (Moorthy V et al. Cureus, 2021 Feb;13:e13553). This amino acid position is not well conserved in available vertebrate species. In addition, the in silico prediction for this alteration is inconclusive (Choi Y et al. PLoS ONE. 2012; 7(10):e46688). Based on the available evidence, the clinical significance of this variant remains unclear.

Quest Diagnostics Nichols Institute San Juan Capistrano
Classification: Uncertain significance. Last evaluated: 2023-05-15. Review status: criteria provided, single submitter. Criteria: Quest Diagnostics criteria. Collection method: clinical testing. Allele origin: unknown.
Comment: This variant has not been reported in large, multi-ethnic general populations (Genome Aggregation Database). In the published literature, this variant has been reported in an individual with Lynch syndrome and squamous cell carcinoma who was also positive for a frameshift mutation in the MLH1 gene (PMID: 33654645 (2021)). Based on the available information, we are unable to determine the clinical significance of this variant.

Color Diagnostics, LLC DBA Color Health
Classification: Uncertain significance for Hereditary cancer-predisposing syndrome. Last evaluated: 2019-08-06. Review status: criteria provided, single submitter. Criteria: ACMG Guidelines, 2015. Collection method: clinical testing. Allele origin: germline.
Comment: This variant causes an in-frame deletion of one amino acid at codon 1262 of the BRCA1 protein. Computational splicing tools suggest that this variant may not impact RNA splicing. To our knowledge, functional assays have not been performed for this variant nor has this variant been reported in individuals affected with hereditary cancer in the literature. This variant has not been identified in the general population by the Genome Aggregation Database (gnomAD). Available evidence is insufficient to determine the role of this variant in disease conclusively. Therefore, this variant is classified as a Variant of Uncertain Significance.

Counsyl
Classification: Uncertain significance for Breast-ovarian cancer, familial, susceptibility to, 1. Last evaluated: 2017-08-11. Review status: no assertion criteria provided. Collection method: clinical testing. Allele origin: unknown. Not counted in ClinVar's aggregate classification.

Literature cited by the submitters: PubMed 33654645 (cited by Ambry Genetics and Quest Diagnostics Nichols Institute San Juan Capistrano); PubMed 38538877 (cited by Ambry Genetics).